The following is an entry in ClinVar:

NM_013275.6(ANKRD11):c.5335C>G (p.Pro1779Ala)

Gene: ANKRD11 (ankyrin repeat domain 11; minus strand). Cytogenetic location: 16q24.3.
Variant type: single nucleotide variant.
Coding change: c.5335C>G on transcript NM_013275.6 (MANE Select); coding-DNA position 5335, C replaced by G.
Protein change: p.Pro1779Ala; replaces proline 1779 with alanine.
Molecular consequence: missense variant.
Genome position (GRCh38, 1-based): chr16:89,281,207, G>C on the plus strand (C>G on the coding strand, the complement: ANKRD11 is on the minus strand). VCF-style: chr16-89281207-G-C. GRCh37 (hg19) VCF-style: chr16-89347615-G-C.
Other names: c.5335C>G (NM_013275.4); c.5335C>G, p.Pro1779Ala (NM_001256182.2, NM_001256183.2); short protein forms P1779A.
Identifiers: ClinVar variation 3017720 (VCV003017720.4), dbSNP rs147706206, ClinGen allele CA286514323.

ClinVar aggregate classification (germline): Conflicting classifications of pathogenicity. Review status: criteria provided, conflicting classifications (1 of 4 stars). 2 submissions from 2 submitters: Uncertain significance (1); Likely benign (1). Last evaluated 2025-03-31.

Conditions:
KBG syndrome (KBGS). Also called: ANKRD11-Related KBG Syndrome. Identifiers: Orphanet 2332, MedGen C0220687, MONDO:0007846, OMIM 148050.
Inborn genetic diseases. Identifiers: MedGen C0950123, MeSH D030342.

Submissions (2):

Ambry Genetics
Classification: Likely benign for Inborn genetic diseases. Last evaluated: 2025-03-31. Review status: criteria provided, single submitter. Criteria: Ambry Variant Classification Scheme 2023. Collection method: clinical testing. Allele origin: germline.

Labcorp Genetics (formerly Invitae), Labcorp
Classification: Uncertain significance for KBG syndrome. Last evaluated: 2023-10-16. Review status: criteria provided, single submitter. Criteria: Invitae Variant Classification Sherloc (09022015). Collection method: clinical testing. Allele origin: germline.
Comment: This sequence change replaces proline, which is neutral and non-polar, with alanine, which is neutral and non-polar, at codon 1779 of the ANKRD11 protein (p.Pro1779Ala). This variant is not present in population databases (gnomAD no frequency). This variant has not been reported in the literature in individuals affected with ANKRD11-related conditions. Advanced modeling of protein sequence and biophysical properties (such as structural, functional, and spatial information, amino acid conservation, physicochemical variation, residue mobility, and thermodynamic stability) performed at Invitae indicates that this missense variant is not expected to disrupt ANKRD11 protein function. In summary, the available evidence is currently insufficient to determine the role of this variant in disease. Therefore, it has been classified as a Variant of Uncertain Significance.